The following is an entry in ClinVar:

ClinVar aggregate classification (germline): Uncertain significance (1 of 4 stars; one submission).

Allele frequency attached by ClinVar (database versions not stated): TOPMed below 0.00001.
gnomAD v4.1: 4 of 1,612,774 alleles (0.00025%); highest among the groups gnomAD compares: Non-Finnish European, 0.00034%; no homozygotes.

Submission:

Labcorp Genetics (formerly Invitae), Labcorp
Classification: Uncertain significance. Last evaluated: 2022-07-28. Review status: criteria provided, single submitter. Criteria: Invitae Variant Classification Sherloc (09022015). Collection method: clinical testing. Allele origin: germline.
Comment: This sequence change replaces arginine, which is basic and polar, with tryptophan, which is neutral and slightly polar, at codon 50 of the TOPORS protein (p.Arg50Trp). This variant is not present in population databases (gnomAD no frequency). This variant has not been reported in the literature in individuals affected with TOPORS-related conditions. Algorithms developed to predict the effect of missense changes on protein structure and function are either unavailable or do not agree on the potential impact of this missense change (SIFT: "Deleterious"; PolyPhen-2: "Probably Damaging"; Align-GVGD: "Class C0"). In summary, the available evidence is currently insufficient to determine the role of this variant in disease. Therefore, it has been classified as a Variant of Uncertain Significance.

NM_005802.5(TOPORS):c.148C>T (p.Arg50Trp)

Gene: TOPORS (TOP1 binding arginine/serine rich protein, E3 ubiquitin ligase; minus strand). Cytogenetic location: 9p21.1.
Variant type: single nucleotide variant.
Coding change: c.148C>T on transcript NM_005802.5 (MANE Select); coding-DNA position 148, C replaced by T.
Protein change: p.Arg50Trp; replaces arginine 50 with tryptophan.
Molecular consequence: missense variant. On other transcripts: intron variant (1).
Genome position (GRCh38, 1-based): chr9:32,550,824, G>A on the plus strand (C>T on the coding strand, the complement: TOPORS is on the minus strand). VCF-style: chr9-32550824-G-A. GRCh37 (hg19) VCF-style: chr9-32550822-G-A.
Other names: c.3+1610C>T (NM_001195622.2); short protein forms R50W.
Identifiers: ClinVar variation 2097219 (VCV002097219.4), dbSNP rs1358934402, ClinGen allele CA373173413.